The following is an entry in ClinVar:

NM_001165963.4(SCN1A):c.4002+2569G>T

Genes: SCN1A (sodium voltage-gated channel alpha subunit 1; minus strand), LOC102724058 (uncharacterized LOC102724058; plus strand). Cytogenetic location: 2q24.3.
Variant type: single nucleotide variant.
Coding change: c.4002+2569G>T on transcript NM_001165963.4 (MANE Select); 2569 bases into the intron after coding-DNA position 4002, G replaced by T.
Molecular consequence: intron variant.
Genome position (GRCh38, 1-based): chr2:166,007,150, C>A on the plus strand (G>T on the coding strand, the complement: SCN1A is on the minus strand). VCF-style: chr2-166007150-C-A. GRCh37 (hg19) VCF-style: chr2-166863660-C-A.
Other names: c.3969+2569G>T (NM_001353949.2, NM_001353950.2, NM_001353951.2 and 2 more transcripts); c.3918+2569G>T (NM_001353958.2, NM_001353957.2, NM_001165964.3); c.4002+2569G>T (NM_001202435.3, NM_001353948.2); c.3966+2569G>T (NM_001353955.2, NM_001353954.2); c.3915+2569G>T (NM_001353960.2); c.1560+2569G>T (NM_001353961.2).
Identifiers: ClinVar variation 2754907 (VCV002754907.3), dbSNP rs1327853203, ClinGen allele CA2697551215.

ClinVar aggregate classification (germline): Uncertain significance (1 of 4 stars; one submission).

Conditions:
Early-infantile DEE. Also called: Ohtahara syndrome; Early infantile epileptic encephalopathy; Early infantile epileptic encephalopathy with suppression bursts. Identifiers: Orphanet 1934, MedGen C0393706, MONDO:0800491.

Submission:

Labcorp Genetics (formerly Invitae), Labcorp
Classification: Uncertain significance for Early-infantile DEE. Last evaluated: 2024-05-15. Review status: criteria provided, single submitter. Criteria: Invitae Variant Classification Sherloc (09022015). Collection method: clinical testing. Allele origin: germline.
Comment: This sequence change falls in intron 20 of the SCN1A gene. It does not directly change the encoded amino acid sequence of the SCN1A protein. However, this sequence change falls within a region encompassing a cryptic exon in the SCN1A gene, in which variants have been shown to alter splicing (PMID: 30526861, 34107977). This variant is not present in population databases (gnomAD no frequency). This variant has not been reported in the literature in individuals affected with SCN1A-related conditions. Algorithms developed to predict the effect of sequence changes on RNA splicing suggest that this variant is not likely to affect RNA splicing. In summary, the available evidence is currently insufficient to determine the role of this variant in disease. Therefore, it has been classified as a Variant of Uncertain Significance.

Literature cited by the submitters: PubMed 30526861; PubMed 34107977.